The following is an entry in ClinVar:

ClinVar aggregate classification (germline): Uncertain significance (1 of 4 stars; one submission).

Conditions:
Beckwith-Wiedemann syndrome (BWS). Also called: EMG SYNDROME; Exomphalos macroglossia gigantism syndrome. Identifiers: Orphanet 116, MedGen C0004903, MONDO:0007534, OMIM 130650.

Submission:

Labcorp Genetics (formerly Invitae), Labcorp
Classification: Uncertain significance for Beckwith-Wiedemann syndrome. Last evaluated: 2023-04-15. Review status: criteria provided, single submitter. Criteria: Invitae Variant Classification Sherloc (09022015). Collection method: clinical testing. Allele origin: germline.
Comment: In summary, the available evidence is currently insufficient to determine the role of this variant in disease. Therefore, it has been classified as a Variant of Uncertain Significance. Advanced modeling of protein sequence and biophysical properties (such as structural, functional, and spatial information, amino acid conservation, physicochemical variation, residue mobility, and thermodynamic stability) performed at Invitae indicates that this missense variant is not expected to disrupt CDKN1C protein function. ClinVar contains an entry for this variant (Variation ID: 2418734). This variant has not been reported in the literature in individuals affected with CDKN1C-related conditions. The frequency data for this variant in the population databases is considered unreliable, as metrics indicate insufficient coverage at this position in the gnomAD database. This sequence change replaces proline, which is neutral and non-polar, with serine, which is neutral and polar, at codon 192 of the CDKN1C protein (p.Pro192Ser).

NM_001122630.2(CDKN1C):c.541C>T (p.Pro181Ser)

Gene: CDKN1C (cyclin dependent kinase inhibitor 1C; minus strand). Cytogenetic location: 11p15.4.
Variant type: single nucleotide variant.
Coding change: c.541C>T on transcript NM_001122630.2 (MANE Select); coding-DNA position 541, C replaced by T.
Protein change: p.Pro181Ser; replaces proline 181 with serine.
Molecular consequence: missense variant. On other transcripts: intron variant (1).
Genome position (GRCh38, 1-based): chr11:2,884,916, G>A on the plus strand (C>T on the coding strand, the complement: CDKN1C is on the minus strand). VCF-style: chr11-2884916-G-A. GRCh37 (hg19) VCF-style: chr11-2906146-G-A.
Other names: c.574C>T, p.Pro192Ser (NM_000076.2, NM_001362474.2); c.541C>T, p.Pro181Ser (NM_001122631.2); c.255+286C>T (NM_001362475.2); short protein forms P181S, P192S.
Identifiers: ClinVar variation 2418734 (VCV002418734.6), dbSNP rs1848940622, ClinGen allele CA379146436.